The following is an entry in ClinVar:

ClinVar aggregate classification (germline): Uncertain significance. Review status: criteria provided, multiple submitters, no conflicts (2 of 4 stars). 2 submissions from 2 submitters: Uncertain significance (2). Last evaluated 2025-12-14.

Conditions:
Hypertrophic cardiomyopathy. Also called: HYPERTROPHIC MYOCARDIOPATHY. Identifiers: Orphanet 217569, MedGen C0007194, MeSH D002312, MONDO:0005045, HP:0001639.

gnomAD v4.1: 1 of 1,613,946 alleles (0.000062%); highest among the groups gnomAD compares: Non-Finnish European, 0.000085%; no homozygotes.

Submissions (2):

Labcorp Genetics (formerly Invitae), Labcorp
Classification: Uncertain significance for Hypertrophic cardiomyopathy. Last evaluated: 2025-12-14. Review status: criteria provided, single submitter. Criteria: Invitae Variant Classification Sherloc (09022015). Collection method: clinical testing. Allele origin: germline.
Comment: This sequence change replaces isoleucine, which is neutral and non-polar, with threonine, which is neutral and polar, at codon 44 of the MYL3 protein (p.Ile44Thr). This variant is not present in population databases (gnomAD no frequency). This variant has not been reported in the literature in individuals affected with MYL3-related conditions. An algorithm developed to predict the effect of missense changes on protein structure and function (PolyPhen-2) suggests that this variant is likely to be disruptive. In summary, the available evidence is currently insufficient to determine the role of this variant in disease. Therefore, it has been classified as a Variant of Uncertain Significance.

GeneDx
Classification: Uncertain significance. Last evaluated: 2025-05-14. Review status: criteria provided, single submitter. Criteria: GeneDx Variant Classification Process June 2021. Collection method: clinical testing. Allele origin: germline. Affected: yes.
Comment: Not observed at significant frequency in large population cohorts (gnomAD); In silico analysis supports that this missense variant has a deleterious effect on protein structure/function; Has not been previously published as pathogenic or benign to our knowledge

NM_000258.3(MYL3):c.131T>C (p.Ile44Thr)

Gene: MYL3 (myosin light chain 3; minus strand). Cytogenetic location: 3p21.31.
Variant type: single nucleotide variant.
Coding change: c.131T>C on transcript NM_000258.3 (MANE Select); coding-DNA position 131, T replaced by C.
Protein change: p.Ile44Thr; replaces isoleucine 44 with threonine.
Molecular consequence: missense variant. On other transcripts: 5 prime UTR variant (2).
Genome position (GRCh38, 1-based): chr3:46,860,986, A>G on the plus strand (T>C on the coding strand, the complement: MYL3 is on the minus strand). VCF-style: chr3-46860986-A-G. GRCh37 (hg19) VCF-style: chr3-46902476-A-G.
Other names: c.131T>C, p.Ile44Thr (NM_001406937.1, NM_001406938.1, NM_001406939.1); c.-44T>C (NM_001406940.1, NM_001406941.1); short protein forms I44T.
Identifiers: ClinVar variation 4529768 (VCV004529768.2).